The following is an entry in ClinVar:

ClinVar aggregate classification (germline): Uncertain significance (1 of 4 stars; one submission).

Conditions:
Familial thoracic aortic aneurysm and aortic dissection (TAAD). Also called: Thoracic aortic aneurysms and dissections. Identifiers: Orphanet 91387, MedGen C4707243, MONDO:0019625.

Submission:

Ambry Genetics
Classification: Uncertain significance for Familial thoracic aortic aneurysm and aortic dissection. Last evaluated: 2025-12-01. Review status: criteria provided, single submitter. Criteria: Ambry Variant Classification Scheme 2023. Collection method: clinical testing. Allele origin: germline.
Comment: The p.S1511N variant (also known as c.4532G>A), located in coding exon 24 of the MYLK gene, results from a G to A substitution at nucleotide position 4532. The serine at codon 1511 is replaced by asparagine, an amino acid with highly similar properties. This amino acid position is conserved. In addition, this alteration is predicted to be tolerated by in silico analysis. Based on the available evidence, the clinical significance of this variant remains unclear.

NM_053025.4(MYLK):c.4532G>A (p.Ser1511Asn)

Gene: MYLK (myosin light chain kinase; minus strand). Cytogenetic location: 3q21.1.
Variant type: single nucleotide variant.
Coding change: c.4532G>A on transcript NM_053025.4 (MANE Select); coding-DNA position 4532, G replaced by A.
Protein change: p.Ser1511Asn; replaces serine 1511 with asparagine.
Molecular consequence: missense variant.
Genome position (GRCh38, 1-based): chr3:123,647,311, C>T on the plus strand (G>A on the coding strand, the complement: MYLK is on the minus strand). VCF-style: chr3-123647311-C-T. GRCh37 (hg19) VCF-style: chr3-123366158-C-T.
Other names: c.4004G>A, p.Ser1335Asn (NM_001321309.2); c.4325G>A, p.Ser1442Asn (NM_053026.4, NM_053028.4); c.4532G>A, p.Ser1511Asn (NM_053027.4); short protein forms S1511N, S1335N, S1442N.
Identifiers: ClinVar variation 4635452 (VCV004635452.1).
Genomic context (GRCh38, chr3:123,647,311, plus strand): 5'-TTTTCTTCAAAGGCATCCACACACTGGACCAGCTTAGGGTGGTGGAGGCAGTTCATGATG[C>T]TAATCTCCTGCCGGATATTCTCTTTCTCTTTTGCTGAATATGCCTTGAAGAACTTCCCTG-3'
Protein context (NP_444253.3, residues 1501-1521): KEKENIRQEI[Ser1511Asn]IMNCLHHPKL